The following is an entry in ClinVar:

NM_001927.4(DES):c.992A>C (p.Tyr331Ser)

Gene: DES (desmin; plus strand). Cytogenetic location: 2q35.
Variant type: single nucleotide variant.
Coding change: c.992A>C on transcript NM_001927.4 (MANE Select); coding-DNA position 992, A replaced by C.
Protein change: p.Tyr331Ser; replaces tyrosine 331 with serine.
Molecular consequence: missense variant. On other transcripts: intron variant (1).
Genome position (GRCh38, 1-based): chr2:219,420,922, A>C. VCF-style: chr2-219420922-A-C. GRCh37 (hg19) VCF-style: chr2-220285644-A-C.
Other names: c.989A>C, p.Tyr330Ser (NM_001382708.1); c.992A>C, p.Tyr331Ser (NM_001382710.1, NM_001382711.1, NM_001382712.1); c.722A>C, p.Tyr241Ser (NM_001382713.1); c.736-562A>C (NM_001382709.1); short protein forms Y331S, Y241S, Y330S.
Identifiers: ClinVar variation 939205 (VCV000939205.10), dbSNP rs1954428602, ClinGen allele CA350693090.

ClinVar aggregate classification (germline): Uncertain significance (1 of 4 stars; one submission).

Conditions:
Desmin-related myofibrillar myopathy (MFM1). Also called: Desminopathy; Desmin related myopathy (former name); Desmin storage myopathy (former name); MYOFIBRILLAR MYOPATHY WITH ARRHYTHMOGENIC RIGHT VENTRICULAR CARDIOMYOPATHY; DESMIN-RELATED MYOPATHY WITH ARRHYTHMOGENIC RIGHT VENTRICULAR CARDIOMYOPATHY; Myofibrillar myopathy 1. Identifiers: Orphanet 363543, Orphanet 98909, MedGen C1832370, MONDO:0011076, OMIM 601419.

Submission:

Labcorp Genetics (formerly Invitae), Labcorp
Classification: Uncertain significance for Desmin-related myofibrillar myopathy. Last evaluated: 2020-03-11. Review status: criteria provided, single submitter. Criteria: Invitae Variant Classification Sherloc (09022015). Collection method: clinical testing. Allele origin: germline.
Comment: In summary, the available evidence is currently insufficient to determine the role of this variant in disease. Therefore, it has been classified as a Variant of Uncertain Significance. This sequence change replaces tyrosine with serine at codon 331 of the DES protein (p.Tyr331Ser). The tyrosine residue is highly conserved and there is a large physicochemical difference between tyrosine and serine. This variant is not present in population databases (ExAC no frequency). This variant has not been reported in the literature in individuals with DES-related conditions. Algorithms developed to predict the effect of missense changes on protein structure and function are either unavailable or do not agree on the potential impact of this missense change (SIFT: "Deleterious"; PolyPhen-2: "Benign"; Align-GVGD: "Class C25").